The following is an entry in ClinVar:

ClinVar aggregate classification (germline): Uncertain significance. Review status: criteria provided, multiple submitters, no conflicts (2 of 4 stars). 2 submissions from 2 submitters: Uncertain significance (2). Last evaluated 2020-07-22.

Conditions:
46,XY sex reversal 3. Also called: SEX REVERSAL, XY, WITH OR WITHOUT ADRENAL FAILURE; NR5A1-related 46,XY complete gonadal dysgenesis; 46,XY GONADAL DYSGENESIS, PARTIAL OR COMPLETE, WITH OR WITHOUT ADRENAL FAILURE; DISORDER OF SEX DEVELOPMENT, 46,XY, NR5A1-RELATED; 46,XY SEX REVERSAL, PARTIAL OR COMPLETE, NR5A1-RELATED. Identifiers: MedGen C3489793, MONDO:0013066, OMIM 612965.
Spermatogenic failure 8 (SPGF8). Identifiers: MedGen C3151406, MONDO:0013504, OMIM 613957.
46,XX sex reversal 4 (SRXX4). Also called: 46, XX sex reversal 4; 46,XX SEX REVERSAL, SRY-NEGATIVE. Identifiers: MedGen C4479552, MONDO:0060489, OMIM 617480.
Premature ovarian failure 7 (POF7). Identifiers: MedGen C2751825, MONDO:0013065, OMIM 612964.

Submissions (2):

GeneDx
Classification: Uncertain significance. Last evaluated: 2020-07-22. Review status: criteria provided, single submitter. Criteria: GeneDx Variant Classification Process June 2021. Collection method: clinical testing. Allele origin: germline. Affected: yes.
Comment: Not observed in large population cohorts (Lek et al., 2016); In silico analysis supports that this missense variant has a deleterious effect on protein structure/function; Has not been previously published as pathogenic or benign to our knowledge

Juno Genomics, Hangzhou Juno Genomics, Inc
Classification: Uncertain significance for 46,XX sex reversal 4; 46,XY sex reversal 3; Premature ovarian failure 7; Spermatogenic failure 8. Review status: criteria provided, single submitter. Criteria: ACMG Guidelines, 2015. Collection method: clinical testing. Allele origin: germline. Affected: yes.
Comment: Absent from controls (or at extremely low frequency if recessive) in Genome Aggregation Database, Exome Sequencing Project, 1000 Genomes Project, or Exome Aggregation Consortium.;Multiple lines of computational evidence support a deleterious effect on the gene or gene product (conservation, evolutionary, splicing impact, etc).;Patient's phenotype or family history is highly specific for a disease with a single genetic etiology.

NM_004959.5(NR5A1):c.205C>T (p.Arg69Cys)

Gene: NR5A1 (nuclear receptor subfamily 5 group A member 1; minus strand). Cytogenetic location: 9q33.3.
Variant type: single nucleotide variant.
Coding change: c.205C>T on transcript NM_004959.5 (MANE Select); coding-DNA position 205, C replaced by T.
Protein change: p.Arg69Cys; replaces arginine 69 with cysteine.
Molecular consequence: missense variant.
Genome position (GRCh38, 1-based): chr9:124,503,118, G>A on the plus strand (C>T on the coding strand, the complement: NR5A1 is on the minus strand). VCF-style: chr9-124503118-G-A. GRCh37 (hg19) VCF-style: chr9-127265397-G-A.
Other names: short protein forms R69C.
Identifiers: ClinVar variation 1302227 (VCV001302227.4), dbSNP rs2131289737, ClinGen allele CA374890230.
Genomic context (GRCh38, chr9:124,503,118, plus strand): 5'-CGAGGCCCGCGCGGCGCGCACCTTCCAGGCGCATCCCCACCGTCAGGCATTTCTGGAAGC[G>A]GCAGAAGGGACAGCGCTTGCGCTGCGTCTTGTCGATCTTGCAGCTCTGGCTCTCGGTGCA-3'
Protein context (NP_004950.2, residues 59-79): KTQRKRCPFC[Arg69Cys]FQKCLTVGMR